The following is an entry in ClinVar:

ClinVar aggregate classification (germline): Pathogenic/Likely pathogenic. Review status: criteria provided, multiple submitters, no conflicts (2 of 4 stars). 4 submissions from 4 submitters: Pathogenic (2); Likely pathogenic (2). Last evaluated 2026-09-15.

Conditions:
SETX-related disorder. Also called: SETX-related condition; SETX-related disorders. Identifiers: MedGen CN239403.
Spinocerebellar ataxia, autosomal recessive, with axonal neuropathy 2 (SCAN2). Also called: ATAXIA-OCULOMOTOR APRAXIA 2; Ataxia-ocular apraxia-2; Ataxia with Oculomotor Apraxia Type 2; Ataxia with Oculomotor Apraxia. Identifiers: Orphanet 64753, MedGen C1853761, MONDO:0018996, OMIM 606002.

Submissions (4):

PreventionGenetics, part of Exact Sciences
Classification: Likely pathogenic for SETX-related condition. Last evaluated: 2026-09-15. Review status: criteria provided, single submitter. Criteria: ACMG Guidelines, 2015. Collection method: clinical testing. Allele origin: germline.
Comment: The SETX c.5243dupT variant is predicted to result in a frameshift and premature protein termination (p.Leu1750Phefs*8). To our knowledge, this variant has not been reported in the literature. However, a similar variant (reported as 5249insT) that results in the same frameshift variant (p.Leu1750Phefs*8) has been reported in the homozygous state in a patient with ataxia with oculomotor apraxia (Anheim et al. 2009. PubMed ID: 19696032). This variant is reported in 0.0063% of alleles in individuals of African descent in gnomAD. Frameshift variants in SETX are expected to be pathogenic. This variant is interpreted as likely pathogenic for autosomal recessive SETX-related disorders.

Variantyx, Inc.
Classification: Pathogenic for Spinocerebellar ataxia, autosomal recessive, with axonal neuropathy 2. Last evaluated: 2025-05-07. Review status: criteria provided, single submitter. Criteria: Variantyx Assertion Criteria 2022. Collection method: clinical testing. Allele origin: germline. Inheritance: Autosomal recessive inheritance. Affected: yes.
Comment: This is a frameshift variant in the SETX gene (OMIM: 608465). Pathogenic variants in this gene have been associated with autosomal recessive spinocerebellar ataxia with axonal neuropathy 2. This variant introduces a premature termination codon in exon 10 out of 26 and is expected to result in loss of function, which is a known disease mechanism for SETX in this disorder (PMID: 14770181) (PVS1). Based on the current evidence, this variant is classified as pathogenic for autosomal recessive spinocerebellar ataxia with axonal neuropathy 2.

CeGaT Center for Human Genetics Tuebingen
Classification: Pathogenic. Last evaluated: 2019-03-01. Review status: criteria provided, single submitter. Criteria: CeGaT Center For Human Genetics Tuebingen Variant Classification Criteria Version 2. Collection method: clinical testing. Allele origin: germline. Affected: yes. Observed: 2 variant alleles.

Neuberg Centre For Genomic Medicine, NCGM
Classification: Likely pathogenic for Spinocerebellar ataxia, autosomal recessive, with axonal neuropathy 2. Review status: criteria provided, single submitter. Criteria: ACMG Guidelines, 2015. Collection method: clinical testing. Allele origin: germline. Inheritance: Autosomal recessive inheritance. Affected: yes.
Comment: The frameshift variant c.5243dup (p.Leu1750PhefsTer8) in the SETX gene has not been reported previously as a pathogenic variant nor as a benign variant, to our knowledge. This variant is reported with the allele frequency (0.0004%) in the gnomAD Exomes. It has been submitted to ClinVar as Pathogenic. However, literature and functional evidence on its pathogenicity are not available. This variant causes a frameshift starting with codon Leucine 1750, changes this amino acid to Phenylalanine residue, and creates a premature Stop codon at position 8 of the new reading frame. This variant is predicted to cause a loss of normal protein function through protein truncation. Loss of function variants has been previously reported to be disease-causing (Choudhury et al., 2017). For these reasons, this variant has been classified as Likely Pathogenic.

Literature cited by the submitters: PubMed 19696032 (cited by Variantyx, Inc.); PubMed 14770181 (cited by Variantyx, Inc.).

NM_015046.7(SETX):c.5243dup (p.Leu1750fs)

Gene: SETX (senataxin; minus strand). Cytogenetic location: 9q34.13.
Variant type: Duplication.
Coding change: c.5243dup on transcript NM_015046.7 (MANE Select); coding-DNA position 5243, one base duplicated (T; older notation c.5243dupT).
Protein change: p.Leu1750fs; shifts the reading frame from leucine 1750.
Molecular consequence: frameshift variant.
Genome position (GRCh38, 1-based): chr9:132,326,355, A duplicated on the plus strand (T on the coding strand, the reverse complement: SETX is on the minus strand); the first of 7 consecutive A bases (chr9:132,326,355-132,326,361); duplicating any one gives the same sequence. VCF-style (leftmost placement, unchanged base first): chr9-132326354-G-GA. GRCh37 (hg19) VCF-style: chr9-135201741-G-GA.
Other names: c.5243dup, p.Leu1750fs (NM_001351527.2, NM_001351528.2); c.5243dupT (NM_015046.5); short protein forms L1750fs.
Identifiers: ClinVar variation 872616 (VCV000872616.43), dbSNP rs754706851, ClinGen allele CA5297052.
Genomic context (GRCh38, chr9:132,326,354, plus strand): 5'-GAGAGGCATACAAATGAAACACATACTTACTGTTTCAAAAGTATTCAATACCATCAAAGG[G>GA]AAAAAAACATTAAAATAATCTCCATAATTGTGAAATCTGACAGGCACAGGTCTTGAGATG-3'